The following is an entry in ClinVar:

ClinVar aggregate classification (germline): Uncertain significance (1 of 4 stars; one submission).

Submission:

Labcorp Genetics (formerly Invitae), Labcorp
Classification: Uncertain significance. Last evaluated: 2025-01-10. Review status: criteria provided, single submitter. Criteria: Invitae Variant Classification Sherloc (09022015). Collection method: clinical testing. Allele origin: germline.
Comment: This sequence change replaces methionine, which is neutral and non-polar, with leucine, which is neutral and non-polar, at codon 374 of the HNF1B protein (p.Met374Leu). The frequency data for this variant in the population databases is considered unreliable, as metrics indicate poor data quality at this position in the gnomAD database. This variant has not been reported in the literature in individuals affected with HNF1B-related conditions. Invitae Evidence Modeling of protein sequence and biophysical properties (such as structural, functional, and spatial information, amino acid conservation, physicochemical variation, residue mobility, and thermodynamic stability) indicates that this missense variant is not expected to disrupt HNF1B protein function with a negative predictive value of 95%. In summary, the available evidence is currently insufficient to determine the role of this variant in disease. Therefore, it has been classified as a Variant of Uncertain Significance.

NM_000458.4(HNF1B):c.1120A>C (p.Met374Leu)

Gene: HNF1B (HNF1 homeobox B; minus strand). Cytogenetic location: 17q12.
Variant type: single nucleotide variant.
Coding change: c.1120A>C on transcript NM_000458.4 (MANE Select); coding-DNA position 1120, A replaced by C.
Protein change: p.Met374Leu; replaces methionine 374 with leucine.
Molecular consequence: missense variant.
Genome position (GRCh38, 1-based): chr17:37,710,589, T>G on the plus strand (A>C on the coding strand, the complement: HNF1B is on the minus strand). VCF-style: chr17-37710589-T-G. GRCh37 (hg19) VCF-style: chr17-36070597-T-G.
Other names: c.1042A>C, p.Met348Leu (NM_001165923.4, NM_001304286.2); c.1120A>C, p.Met374Leu (NM_001411100.1); short protein forms M348L, M374L.
Identifiers: ClinVar variation 3692209 (VCV003692209.2).